The following is an entry in ClinVar:

NM_182918.4(ERG):c.674-1G>A

Gene: ERG (ETS transcription factor ERG; minus strand). Cytogenetic location: 21q22.2.
Variant type: single nucleotide variant.
Coding change: c.674-1G>A on transcript NM_182918.4 (MANE Select); the canonical splice acceptor site of the intron before coding-DNA position 674, G replaced by A.
Molecular consequence: splice acceptor variant. On other transcripts: intron variant (3).
Genome position (GRCh38, 1-based): chr21:38,400,646, C>T on the plus strand (G>A on the coding strand, the complement: ERG is on the minus strand). VCF-style: chr21-38400646-C-T. GRCh37 (hg19) VCF-style: chr21-39772568-C-T.
Other names: c.695-1G>A (NM_001243432.2, NM_001136154.1, NM_001243428.1 and 1 more transcripts); c.694+1911G>A (NM_004449.4); c.397+1911G>A (NM_001243429.1); c.398-1G>A (NM_001136155.1); c.673+1911G>A (NM_001331025.2).
Identifiers: ClinVar variation 4752218 (VCV004752218.1).

ClinVar aggregate classification (germline): Uncertain significance (1 of 4 stars; one submission).

gnomAD v4.1: 25 of 1,599,926 alleles (0.0016%); highest among the groups gnomAD compares: Admixed American, 0.02%; no homozygotes.

Submission:

Labcorp Genetics (formerly Invitae), Labcorp
Classification: Uncertain significance. Last evaluated: 2025-05-09. Review status: criteria provided, single submitter. Criteria: Invitae Variant Classification Sherloc (09022015). Collection method: clinical testing. Allele origin: germline.
Comment: This sequence change affects an acceptor splice site in intron 7 of the ERG gene. It is expected to disrupt RNA splicing. Variants that disrupt the donor or acceptor splice site typically lead to a loss of protein function (PMID: 16199547), however the current clinical and genetic evidence is not sufficient to establish whether loss-of-function variants in ERG cause disease. This variant is present in population databases (rs755393180, gnomAD 0.01%). This variant has not been reported in the literature in individuals affected with ERG-related conditions. Algorithms developed to predict the effect of sequence changes on RNA splicing suggest that this variant may disrupt the consensus splice site. In summary, the available evidence is currently insufficient to determine the role of this variant in disease. Therefore, it has been classified as a Variant of Uncertain Significance.

Literature cited by the submitters: PubMed 16199547.